The following is an entry in ClinVar:

ClinVar aggregate classification (germline): Likely benign (1 of 4 stars; one submission).

Allele frequency attached by ClinVar (database versions not stated): gnomAD exomes below 0.00001.

Submission:

CeGaT Center for Human Genetics Tuebingen
Classification: Likely benign. Last evaluated: 2023-05-01. Review status: criteria provided, single submitter. Criteria: CeGaT Center For Human Genetics Tuebingen Variant Classification Criteria Version 2. Collection method: clinical testing. Allele origin: germline. Affected: yes. Observed: 1 variant allele.
Comment: AMPD1: BP4

NM_000036.3(AMPD1):c.946C>T (p.Leu316=)

Gene: AMPD1 (adenosine monophosphate deaminase 1; minus strand). Cytogenetic location: 1p13.2.
Variant type: single nucleotide variant.
Coding change: c.946C>T on transcript NM_000036.3 (MANE Select); coding-DNA position 946, C replaced by T.
Protein change: p.Leu316=; no amino-acid change (leucine 316 retained).
Molecular consequence: synonymous variant.
Genome position (GRCh38, 1-based): chr1:114,678,479, G>A on the plus strand (C>T on the coding strand, the complement: AMPD1 is on the minus strand). VCF-style: chr1-114678479-G-A. GRCh37 (hg19) VCF-style: chr1-115221100-G-A.
Other names: c.934C>T, p.Leu312= (NM_001172626.2).
Identifiers: ClinVar variation 2639006 (VCV002639006.24), dbSNP rs1238050040, ClinGen allele CA419883237.